The following is an entry in ClinVar:

ClinVar aggregate classification (germline): Likely pathogenic (1 of 4 stars; one submission).

Conditions:
Short stature, facial dysmorphism, and skeletal anomalies with or without cardiac anomalies 2. Identifiers: MedGen C5543057, MONDO:0030953, OMIM 619184.

Submission:

3billion
Classification: Likely pathogenic for Short stature, facial dysmorphism, and skeletal anomalies with or without cardiac anomalies 2. Last evaluated: 2024-06-20. Review status: criteria provided, single submitter. Criteria: ACMG Guidelines, 2015. Collection method: clinical testing. Allele origin: germline. Affected: yes.
Comment: The variant is not observed in the gnomAD v4.0.0 dataset. Predicted Consequence/Location: Stop-gained (nonsense): predicted to result in a loss or disruption of normal protein function through nonsense-mediated decay (NMD) or protein truncation. Multiple pathogenic variants are reported downstream of the variant. Therefore, this variant is classified as Likely pathogenic according to the recommendation of ACMG/AMP guideline.

NM_152753.4(SCUBE3):c.222C>A (p.Cys74Ter)

Gene: SCUBE3 (signal peptide, CUB domain and EGF like domain containing 3; plus strand). Cytogenetic location: 6p21.31.
Variant type: single nucleotide variant.
Coding change: c.222C>A on transcript NM_152753.4 (MANE Select); coding-DNA position 222, C replaced by A.
Protein change: p.Cys74Ter; replaces cysteine 74 with a stop codon.
Molecular consequence: nonsense.
Genome position (GRCh38, 1-based): chr6:35,228,627, C>A. VCF-style: chr6-35228627-C-A. GRCh37 (hg19) VCF-style: chr6-35196404-C-A.
Other names: c.222C>A, p.Cys74Ter (NM_001303136.2); short protein forms C74*.
Identifiers: ClinVar variation 4292575 (VCV004292575.1).